The following is an entry in ClinVar:

ClinVar aggregate classification (germline): Uncertain significance (1 of 4 stars; one submission).

Conditions:
Familial acute necrotizing encephalopathy (IIAE3). Also called: ENCEPHALOPATHY, ACUTE, INFECTION-INDUCED, SUSCEPTIBILITY TO, 3; Susceptibility to Acute Necrotizing Encephalopathy 1. Identifiers: Orphanet 88619, MedGen C2675556, MONDO:0011953, OMIM 608033.

Allele frequency attached by ClinVar (database versions not stated): TOPMed 0.00009; gnomAD 0.00011; ESP Exome Variant Server 0.00023.
gnomAD v4.1: 294 of 1,609,944 alleles (0.018%); highest among the groups gnomAD compares: Non-Finnish European, 0.024%; no homozygotes.

Submission:

Labcorp Genetics (formerly Invitae), Labcorp
Classification: Uncertain significance for Familial acute necrotizing encephalopathy. Last evaluated: 2022-11-15. Review status: criteria provided, single submitter. Criteria: Invitae Variant Classification Sherloc (09022015). Collection method: clinical testing. Allele origin: germline.
Comment: This sequence change replaces aspartic acid, which is acidic and polar, with glutamic acid, which is acidic and polar, at codon 2828 of the RANBP2 protein (p.Asp2828Glu). In summary, the available evidence is currently insufficient to determine the role of this variant in disease. Therefore, it has been classified as a Variant of Uncertain Significance. Algorithms developed to predict the effect of missense changes on protein structure and function output the following: SIFT: "Tolerated"; PolyPhen-2: "Benign"; Align-GVGD: "Class C0". The glutamic acid amino acid residue is found in multiple mammalian species, which suggests that this missense change does not adversely affect protein function. ClinVar contains an entry for this variant (Variation ID: 572033). This variant has not been reported in the literature in individuals affected with RANBP2-related conditions. This variant is present in population databases (rs141258840, gnomAD 0.04%), and has an allele count higher than expected for a pathogenic variant.

NM_006267.5(RANBP2):c.8484T>A (p.Asp2828Glu)

Gene: RANBP2 (RAN binding protein 2; plus strand). Cytogenetic location: 2q13.
Variant type: single nucleotide variant.
Coding change: c.8484T>A on transcript NM_006267.5 (MANE Select); coding-DNA position 8484, T replaced by A.
Protein change: p.Asp2828Glu; replaces aspartic acid 2828 with glutamic acid.
Molecular consequence: missense variant.
Genome position (GRCh38, 1-based): chr2:108,775,923, T>A. VCF-style: chr2-108775923-T-A. GRCh37 (hg19) VCF-style: chr2-109392379-T-A.
Other names: short protein forms D2828E.
Identifiers: ClinVar variation 572033 (VCV000572033.7), dbSNP rs141258840, ClinGen allele CA1823846.